The following is an entry in ClinVar:

NM_015360.5(MTREX):c.2098C>A (p.Leu700Met)

Gene: MTREX (Mtr4 exosome RNA helicase; plus strand). Cytogenetic location: 5q11.2.
Variant type: single nucleotide variant.
Coding change: c.2098C>A on transcript NM_015360.5 (MANE Select); coding-DNA position 2098, C replaced by A.
Protein change: p.Leu700Met; replaces leucine 700 with methionine.
Molecular consequence: missense variant.
Genome position (GRCh38, 1-based): chr5:55,388,019, C>A. VCF-style: chr5-55388019-C-A. GRCh37 (hg19) VCF-style: chr5-54683847-C-A.
Other names: short protein forms L700M.
Identifiers: ClinVar variation 3234670 (VCV003234670.20), dbSNP rs1441065580, ClinGen allele CA359754737.

ClinVar aggregate classification (germline): Uncertain significance (1 of 4 stars; one submission).

gnomAD v4.1: 2 of 1,607,808 alleles (0.00012%); highest among the groups gnomAD compares: Non-Finnish European, 0.00017%; no homozygotes.

Submission:

CeGaT Center for Human Genetics Tuebingen
Classification: Uncertain significance. Last evaluated: 2024-04-01. Review status: criteria provided, single submitter. Criteria: CeGaT Center For Human Genetics Tuebingen Variant Classification Criteria Version 2. Collection method: clinical testing. Allele origin: germline. Affected: yes. Observed: 1 variant allele.
Comment: MTREX: PM2